The following is an entry in ClinVar:

ClinVar aggregate classification (germline): Benign. Review status: criteria provided, multiple submitters, no conflicts (2 of 4 stars). 4 submissions from 3 submitters: Benign (4). Last evaluated 2026-02-04.

Conditions:
Junctional epidermolysis bullosa gravis of Herlitz. Also called: EPIDERMOLYSIS BULLOSA JUNCTIONALIS, HERLITZ TYPE; EPIDERMOLYSIS BULLOSA, JUNCTIONAL, HERLITZ-PEARSON TYPE; JEB-HERLITZ TYPE; Epidermolysis Bullosa Letalis; Herlitz-type junctional epidermolysis bullosa; EPIDERMOLYSIS BULLOSA, JUNCTIONAL 1B, SEVERE. Identifiers: Orphanet 79404, MedGen C0079683, MONDO:0009182, OMIM 226700.
Laryngo-onycho-cutaneous syndrome (JEB2C). Also called: LOGIC SYNDROME; EPIDERMOLYSIS BULLOSA, JUNCTIONAL 2C, LARYNGOONYCHOCUTANEOUS; SHABBIR SYNDROME. Identifiers: Orphanet 2407, MedGen C1328355, MONDO:0009513, OMIM 245660.

Allele frequency attached by ClinVar (database versions not stated): gnomAD 0.00748 and 0.00834; ESP Exome Variant Server 0.00846; TOPMed 0.00850; 1000 Genomes Project 30x 0.01093; gnomAD exomes 0.01126; 1000 Genomes Project 0.01198; ExAC 0.01257.
gnomAD v4.1: 16,490 of 1,608,286 alleles (1%); highest among the groups gnomAD compares: Middle Eastern, 5.3%; 182 homozygotes.

Submissions (4):

Labcorp Genetics (formerly Invitae), Labcorp
Classification: Benign. Last evaluated: 2026-02-04. Review status: criteria provided, single submitter. Criteria: Invitae Variant Classification Sherloc (09022015). Collection method: clinical testing. Allele origin: germline.

Illumina Laboratory Services, Illumina
Classification: Benign for Junctional epidermolysis bullosa gravis of Herlitz. Last evaluated: 2018-01-12. Review status: criteria provided, single submitter. Criteria: ICSL Variant Classification Criteria 13 December 2019. Collection method: clinical testing. Allele origin: germline.
Comment: This variant was observed in the ICSL laboratory as part of a predisposition screen in an ostensibly healthy population. It had not been previously curated by ICSL or reported in the Human Gene Mutation Database (HGMD: prior to June 1st, 2018), and was therefore a candidate for classification through an automated scoring system. Utilizing variant allele frequency, disease prevalence and penetrance estimates, and inheritance mode, an automated score was calculated to assess if this variant is too frequent to cause the disease. Based on the score and internal cut-off values, a variant classified as benign is not then subjected to further curation. The score for this variant resulted in a classification of benign for this disease.

Illumina Laboratory Services, Illumina
Classification: Benign for Laryngo-onycho-cutaneous syndrome. Last evaluated: 2018-01-12. Review status: criteria provided, single submitter. Criteria: ICSL Variant Classification Criteria 13 December 2019. Collection method: clinical testing. Allele origin: germline.
Comment: the same text as in the submission from Illumina Laboratory Services, Illumina above.

Breakthrough Genomics
Classification: Benign. Review status: criteria provided, single submitter. Criteria: ACMG Guidelines, 2015. Collection method: not provided. Allele origin: germline. Inheritance: Autosomal recessive inheritance. Affected: yes.

NM_198129.4(LAMA3):c.9643-14C>T

Gene: LAMA3 (laminin subunit alpha 3; plus strand). Cytogenetic location: 18q11.2.
Variant type: single nucleotide variant.
Coding change: c.9643-14C>T on transcript NM_198129.4 (MANE Select); 14 bases into the intron before coding-DNA position 9643, C replaced by T.
Molecular consequence: intron variant.
Genome position (GRCh38, 1-based): chr18:23,951,670, C>T. VCF-style: chr18-23951670-C-T. GRCh37 (hg19) VCF-style: chr18-21531634-C-T.
Other names: c.4816-14C>T (NM_000227.6); c.4648-14C>T (NM_001127718.4); c.9475-14C>T (NM_001127717.4).
Identifiers: ClinVar variation 326347 (VCV000326347.13), dbSNP rs72875942, ClinGen allele CA8917263.
Genomic context (GRCh38, chr18:23,951,670, plus strand): 5'-GAGGGAAGATGGCAGGGGAAGGTCGGCTCCACCTGCCTTCCTGAAGGAAATAGGAAAATG[C>T]ATGTGTGTTCCAGGTCACGGCCTCTATGGACAGTGGGGCAGGTGGGACCTCAACGTCGGT-3'